The following is an entry in ClinVar:

NM_014264.5(PLK4):c.1559C>T (p.Thr520Ile)

Gene: PLK4 (polo like kinase 4; plus strand). Cytogenetic location: 4q28.1.
Variant type: single nucleotide variant.
Coding change: c.1559C>T on transcript NM_014264.5 (MANE Select); coding-DNA position 1559, C replaced by T.
Protein change: p.Thr520Ile; replaces threonine 520 with isoleucine.
Molecular consequence: missense variant.
Genome position (GRCh38, 1-based): chr4:127,889,965, C>T. VCF-style: chr4-127889965-C-T. GRCh37 (hg19) VCF-style: chr4-128811120-C-T.
Other names: c.1463C>T, p.Thr488Ile (NM_001190799.2); c.1436C>T, p.Thr479Ile (NM_001190801.2); c.1559C>T (NM_014264.4); short protein forms T479I, T488I, T520I.
Identifiers: ClinVar variation 1483218 (VCV001483218.7), dbSNP rs762851409, ClinGen allele CA3076807.

ClinVar aggregate classification (germline): Uncertain significance. Review status: criteria provided, multiple submitters, no conflicts (2 of 4 stars). 2 submissions from 2 submitters: Uncertain significance (2). Last evaluated 2026-07-10.

Conditions:
Inborn genetic diseases. Identifiers: MedGen C0950123, MeSH D030342.

Allele frequency attached by ClinVar (database versions not stated): ExAC 0.00001; gnomAD 0.00005 and 0.00006.
gnomAD v4.1: 9 of 1,613,914 alleles (0.00056%); highest among the groups gnomAD compares: Admixed American, 0.013%; no homozygotes.

Submissions (2):

Ambry Genetics
Classification: Uncertain significance for Inborn genetic diseases. Last evaluated: 2026-07-10. Review status: criteria provided, single submitter. Criteria: Ambry Variant Classification Scheme 2023. Collection method: clinical testing. Allele origin: germline.

Labcorp Genetics (formerly Invitae), Labcorp
Classification: Uncertain significance. Last evaluated: 2024-10-08. Review status: criteria provided, single submitter. Criteria: Invitae Variant Classification Sherloc (09022015). Collection method: clinical testing. Allele origin: germline.
Comment: This sequence change replaces threonine, which is neutral and polar, with isoleucine, which is neutral and non-polar, at codon 520 of the PLK4 protein (p.Thr520Ile). This variant is not present in population databases (gnomAD no frequency). This variant has not been reported in the literature in individuals affected with PLK4-related conditions. ClinVar contains an entry for this variant (Variation ID: 1483218). An algorithm developed to predict the effect of missense changes on protein structure and function (PolyPhen-2) suggests that this variant¬†is likely to be tolerated. In summary, the available evidence is currently insufficient to determine the role of this variant in disease. Therefore, it has been classified as a Variant of Uncertain Significance.